The following is an entry in ClinVar:

ClinVar aggregate classification (germline): Likely pathogenic (0 of 4 stars; one submission).

Conditions:
Coffin-Siris syndrome 1 (CSS1). Also called: Mental retardation, autosomal dominant 12; ARID1B-Related Coffin-Siris Syndrome. Identifiers: Orphanet 1465, MedGen C3281201, MONDO:0007617, OMIM 135900. Disease mechanism: gain of function.

Submission:

Solve-RD Consortium
Classification: Likely pathogenic for Coffin-Siris syndrome 1. Last evaluated: 2024-06-01. Review status: no assertion criteria provided. Collection method: provider interpretation. Allele origin: de novo. Affected: yes.
Comment: This CNV was confirmed by the submitting clinician to impact a gene that corresponds with the phenotype of the affected individual, and thus deemed to be causative for their condition.

Literature cited by the submitters: PubMed 39825153.

GRCh37/hg19 19q13.33(chr19:48185250-48245216)x1

Genes: BICRA (BRD4 interacting chromatin remodeling complex associated protein; plus strand), EHD2 (EH domain containing 2; plus strand). Cytogenetic location: 19q13.33.
Variant type: copy number loss.
Change: copy number 1 (one copy instead of two) of chr19:48,185,250-48,245,216 (60.0 kb, GRCh37 coordinates, 1-based), cytogenetic band 19q13.33.
Identifiers: ClinVar variation 3338438 (VCV003338438.1).